The following is an entry in ClinVar:

NM_020822.3(KCNT1):c.278A>G (p.Asn93Ser)

Gene: KCNT1 (potassium sodium-activated channel subfamily T member 1; plus strand). Cytogenetic location: 9q34.3.
Variant type: single nucleotide variant.
Coding change: c.278A>G on transcript NM_020822.3 (MANE Select); coding-DNA position 278, A replaced by G.
Protein change: p.Asn93Ser; replaces asparagine 93 with serine.
Molecular consequence: missense variant.
Genome position (GRCh38, 1-based): chr9:135,750,121, A>G. VCF-style: chr9-135750121-A-G. GRCh37 (hg19) VCF-style: chr9-138641967-A-G.
Other names: c.134A>G, p.Asn45Ser (NM_001272003.2); short protein forms N93S, N45S.
Identifiers: ClinVar variation 2942793 (VCV002942793.3), dbSNP rs2490772770, ClinGen allele CA375494736.

ClinVar aggregate classification (germline): Uncertain significance (1 of 4 stars; one submission).

Conditions:
Autosomal dominant nocturnal frontal lobe epilepsy 5. Also called: Epilepsy, nocturnal frontal lobe, 5; CILIARY DYSKINESIA, PRIMARY, 28, WITHOUT SITUS INVERSUS; CILIARY DYSKINESIA, PRIMARY, 28, WITH SITUS INVERSUS; KCNT1-Related Epilepsy. Identifiers: Orphanet 98784, MedGen C3554306, MONDO:0014002, OMIM 615005.
Developmental and epileptic encephalopathy, 14 (DEE14). Also called: Early infantile epileptic encephalopathy 14. Identifiers: Orphanet 293181, MedGen C3554195, MONDO:0013989, OMIM 614959.

Allele frequency attached by ClinVar (database versions not stated): gnomAD exomes below 0.00001.
gnomAD v4.1: 1 of 1,613,838 alleles (0.000062%); highest among the groups gnomAD compares: Non-Finnish European, 0.000085%; no homozygotes.

Submission:

Labcorp Genetics (formerly Invitae), Labcorp
Classification: Uncertain significance for Autosomal dominant nocturnal frontal lobe epilepsy 5; Developmental and epileptic encephalopathy, 14. Last evaluated: 2022-12-30. Review status: criteria provided, single submitter. Criteria: Invitae Variant Classification Sherloc (09022015). Collection method: clinical testing. Allele origin: germline.
Comment: This variant is not present in population databases (gnomAD no frequency). In summary, the available evidence is currently insufficient to determine the role of this variant in disease. Therefore, it has been classified as a Variant of Uncertain Significance. Advanced modeling of protein sequence and biophysical properties (such as structural, functional, and spatial information, amino acid conservation, physicochemical variation, residue mobility, and thermodynamic stability) performed at Invitae indicates that this missense variant is not expected to disrupt KCNT1 protein function. This variant has not been reported in the literature in individuals affected with KCNT1-related conditions. This sequence change replaces asparagine, which is neutral and polar, with serine, which is neutral and polar, at codon 93 of the KCNT1 protein (p.Asn93Ser).